The following is an entry in ClinVar:

NM_001040151.2(SCN3B):c.562G>A (p.Glu188Lys)

Gene: SCN3B (sodium voltage-gated channel beta subunit 3; minus strand). Cytogenetic location: 11q24.1.
Variant type: single nucleotide variant.
Coding change: c.562G>A on transcript NM_001040151.2 (MANE Select); coding-DNA position 562, G replaced by A.
Protein change: p.Glu188Lys; replaces glutamic acid 188 with lysine.
Molecular consequence: missense variant.
Genome position (GRCh38, 1-based): chr11:123,638,208, C>T on the plus strand (G>A on the coding strand, the complement: SCN3B is on the minus strand). VCF-style: chr11-123638208-C-T. GRCh37 (hg19) VCF-style: chr11-123508916-C-T.
Other names: c.562G>A, p.Glu188Lys (NM_018400.4); short protein forms E188K.
Identifiers: ClinVar variation 1748746 (VCV001748746.3), dbSNP rs769173831, ClinGen allele CA6333988.

ClinVar aggregate classification (germline): Uncertain significance (1 of 4 stars; one submission).

Conditions:
Cardiovascular phenotype. Identifiers: MedGen CN230736.

Allele frequency attached by ClinVar (database versions not stated): ExAC 0.00001; gnomAD exomes 0.00001; gnomAD 0.00002; TOPMed 0.00002.
gnomAD v4.1: 25 of 1,613,968 alleles (0.0015%); highest among the groups gnomAD compares: African/African-American, 0.0027%; no homozygotes.

Submission:

Ambry Genetics
Classification: Uncertain significance for Cardiovascular phenotype. Last evaluated: 2024-05-12. Review status: criteria provided, single submitter. Criteria: Ambry Variant Classification Scheme 2023. Collection method: clinical testing. Allele origin: germline.
Comment: The p.E188K variant (also known as c.562G>A), located in coding exon 4 of the SCN3B gene, results from a G to A substitution at nucleotide position 562. The glutamic acid at codon 188 is replaced by lysine, an amino acid with similar properties. This amino acid position is conserved. In addition, the in silico prediction for this alteration is inconclusive. Since supporting evidence is limited at this time, the clinical significance of this alteration remains unclear.